The following is an entry in ClinVar:

ClinVar aggregate classification (germline): Likely benign (1 of 4 stars; one submission).

Allele frequency attached by ClinVar (database versions not stated): gnomAD exomes below 0.00001.
gnomAD v4.1: 1 of 1,613,116 alleles (0.000062%); highest among the groups gnomAD compares: Non-Finnish European, 0.000085%; no homozygotes.

Submission:

GeneDx
Classification: Likely benign. Last evaluated: 2018-01-29. Review status: criteria provided, single submitter. Criteria: GeneDx Variant Classification (06012015). Collection method: clinical testing. Allele origin: germline. Affected: yes.
Comment: This variant is considered likely benign or benign based on one or more of the following criteria: it is a conservative change, it occurs at a poorly conserved position in the protein, it is predicted to be benign by multiple in silico algorithms, and/or has population frequency not consistent with disease.

NM_002047.4(GARS1):c.569+8C>A

Gene: GARS1 (glycyl-tRNA synthetase 1; plus strand). Cytogenetic location: 7p14.3.
Variant type: single nucleotide variant.
Coding change: c.569+8C>A on transcript NM_002047.4 (MANE Select); 8 bases into the intron after coding-DNA position 569, C replaced by A.
Molecular consequence: intron variant.
Genome position (GRCh38, 1-based): chr7:30,601,208, C>A. VCF-style: chr7-30601208-C-A. GRCh37 (hg19) VCF-style: chr7-30640824-C-A.
Other names: c.569+8C>A (LRG_243t1); c.407+8C>A (NM_001316772.1).
Identifiers: ClinVar variation 514772 (VCV000514772.1), dbSNP rs1554337181, ClinGen allele CA658796917.